The following is an entry in ClinVar:

ClinVar aggregate classification (germline): Uncertain significance (1 of 4 stars; one submission).

Conditions:
Inborn genetic diseases. Identifiers: MedGen C0950123, MeSH D030342.

gnomAD v4.1: 1 of 1,393,504 alleles (0.000072%); highest among the groups gnomAD compares: Admixed American, 0.0034%; no homozygotes.

Submission:

Ambry Genetics
Classification: Uncertain significance for Inborn genetic diseases. Last evaluated: 2025-01-08. Review status: criteria provided, single submitter. Criteria: Ambry Variant Classification Scheme 2023. Collection method: clinical testing. Allele origin: germline.
Comment: The p.P104A variant (also known as c.310C>G), located in coding exon 1 of the SH2B3 gene, results from a C to G substitution at nucleotide position 310. The proline at codon 104 is replaced by alanine, an amino acid with highly similar properties. This amino acid position is conserved. In addition, this alteration is predicted to be tolerated by in silico analysis. Based on the available evidence, the clinical significance of this variant remains unclear.

NM_005475.3(SH2B3):c.310C>G (p.Pro104Ala)

Gene: SH2B3 (SH2B adaptor protein 3; plus strand). Cytogenetic location: 12q24.12.
Variant type: single nucleotide variant.
Coding change: c.310C>G on transcript NM_005475.3 (MANE Select); coding-DNA position 310, C replaced by G.
Protein change: p.Pro104Ala; replaces proline 104 with alanine.
Molecular consequence: missense variant.
Genome position (GRCh38, 1-based): chr12:111,418,455, C>G. VCF-style: chr12-111418455-C-G. GRCh37 (hg19) VCF-style: chr12-111856259-C-G.
Other names: short protein forms P104A.
Identifiers: ClinVar variation 3795087 (VCV003795087.1).
Genomic context (GRCh38, chr12:111,418,455, plus strand): 5'-GCGCCGGGCCGCGACTACCGGGACACAGGCCGTGGGCCCCCAGCCAAGGCCGAGGCGTCC[C>G]CGGAGCCAGGCCCCGGCCCCGCCGCCCCTGGCCTGCCCAAGGCCCGCAGCTCTGAGGAGC-3'
Protein context (NP_005466.1, residues 94-114): RGPPAKAEAS[Pro104Ala]EPGPGPAAPG